The following is an entry in ClinVar:

ClinVar aggregate classification (germline): Likely pathogenic. Review status: criteria provided, multiple submitters, no conflicts (2 of 4 stars). 2 submissions from 2 submitters: Likely pathogenic (2). Last evaluated 2025-05-03.

Conditions:
Cardiovascular phenotype. Identifiers: MedGen CN230736.

gnomAD v4.1: 1 of 1,613,864 alleles (0.000062%); highest among the groups gnomAD compares: Non-Finnish European, 0.000085%; no homozygotes.

Submissions (2):

Ambry Genetics
Classification: Likely pathogenic for Cardiovascular phenotype. Last evaluated: 2025-05-03. Review status: criteria provided, single submitter. Criteria: Ambry Variant Classification Scheme 2023. Collection method: clinical testing. Allele origin: germline.
Comment: The p.E26579* variant (also known as c.79735G>T), located in coding exon 187 of the TTN gene, results from a G to T substitution at nucleotide position 79735. This changes the amino acid from a glutamic acid to a stop codon within coding exon 187. This exon is located in the M-band region of the N2-B isoform of the titin protein and is constitutively expressed in TTN transcripts (percent spliced in or PSI 100%). This variant is considered to be rare based on population cohorts in the Genome Aggregation Database (gnomAD). This variant is expected to result in loss of function by premature protein truncation or nonsense-mediated mRNA decay. While truncating variants in TTN are present in 1-3% of the general population, truncating variants in the M-band have been reported in association with autosomal recessive titinopathies, primarily presenting with skeletal myopathy phenotypes (Ceyhan-Birsoy O et al. Neurology. 2013 Oct 1;81(14):1205-14; De Cid R et al. Neurology. 2015;85(24):2126-35). Truncating variants in coding exon 185 of the M-band of the N2-B isoform have also been specifically associated with autosomal dominant dilated cardiomyopathy (Vatta M et al. Circ GenomPrecis Med. 2025 Feb:e004982). More generally, TTN truncating variants encoded in constitutive exons (PSI >90%) have been found to be significantly associated with dilated cardiomyopathy (DCM) regardless of their position, although truncating variants in the A-band are the most common cause of DCM (Herman DS et al. N. Engl. J. Med., 2012 Feb;366:619-28; Roberts AM et al. Sci Transl Med, 2015 Jan;7:270ra6; Schafer S et al. Nat. Genet., 2017 01;49:46-53; Akhtar MM et al. Circ Heart Fail, 2020 Oct;13:e006832; Massier M et al. Clin Genet, 2025 Jan). Based on the majority of available evidence to date, this variant is likely to be pathogenic in association with autosomal recessive titinopathy; however, the clinical significance of this alteration with respect to cardiomyopathy remains unclear.

GeneDx
Classification: Likely pathogenic. Last evaluated: 2024-12-04. Review status: criteria provided, single submitter. Criteria: GeneDx Variant Classification Process June 2021. Collection method: clinical testing. Allele origin: germline. Affected: yes.
Comment: Nonsense variant predicted to result in protein truncation or nonsense mediated decay in a gene for which loss of function is a known mechanism of disease; Not observed at significant frequency in large population cohorts (gnomAD); Has not been previously published as pathogenic or benign to our knowledge; Located in the M-band, a region of TTN for which truncating variants are significantly associated with autosomal recessive skeletal myopathies and also with autosomal dominant cardiomyopathy (PMID: 17444505, 32778822, 36637017); This variant is associated with the following publications: (PMID: 17444505, 32778822, 36637017)

NM_001267550.2(TTN):c.106930G>T (p.Glu35644Ter)

Genes: TTN (titin; minus strand), TTN-AS1 (TTN antisense RNA 1; plus strand). Cytogenetic location: 2q31.2.
Variant type: single nucleotide variant.
Coding change: c.106930G>T on transcript NM_001267550.2 (MANE Select); coding-DNA position 106930, G replaced by T.
Protein change: p.Glu35644Ter; replaces glutamic acid 35644 with a stop codon.
Molecular consequence: nonsense.
Genome position (GRCh38, 1-based): chr2:178,528,821, C>A on the plus strand (G>T on the coding strand, the complement: TTN is on the minus strand). VCF-style: chr2-178528821-C-A. GRCh37 (hg19) VCF-style: chr2-179393548-C-A.
Other names: c.102007G>T, p.Glu34003Ter (NM_001256850.1); c.79735G>T, p.Glu26579Ter (NM_003319.4); c.99226G>T, p.Glu33076Ter (NM_133378.4); c.80110G>T, p.Glu26704Ter (NM_133432.3); c.80311G>T, p.Glu26771Ter (NM_133437.4); short protein forms E26579*, E26704*, E26771*, E33076*, E34003*, E35644*.
Identifiers: ClinVar variation 3901712 (VCV003901712.2).